The following is an entry in ClinVar:

NM_000812.4(GABRB1):c.619G>A (p.Glu207Lys)

Gene: GABRB1 (gamma-aminobutyric acid type A receptor subunit beta1; plus strand). Cytogenetic location: 4p12.
Variant type: single nucleotide variant.
Coding change: c.619G>A on transcript NM_000812.4 (MANE Select); coding-DNA position 619, G replaced by A.
Protein change: p.Glu207Lys; replaces glutamic acid 207 with lysine.
Molecular consequence: missense variant.
Genome position (GRCh38, 1-based): chr4:47,403,392, G>A. VCF-style: chr4-47403392-G-A. GRCh37 (hg19) VCF-style: chr4-47405409-G-A.
Other names: short protein forms E207K.
Identifiers: ClinVar variation 3000466 (VCV003000466.3), dbSNP rs775300084, ClinGen allele CA2907646.
Genomic context (GRCh38, chr4:47,403,392, plus strand): 5'-GATGACATTGAATTTTACTGGAATGGAGGAGAAGGGGCAGTCACTGGTGTTAATAAAATC[G>A]AACTTCCTCAATTTTCAATTGTTGACTACAAGATGGTGTCTAAGAAGGTGGAGTTCACAA-3'
Protein context (NP_000803.2, residues 197-217): EGAVTGVNKI[Glu207Lys]LPQFSIVDYK

ClinVar aggregate classification (germline): Uncertain significance (1 of 4 stars; one submission).

Allele frequency attached by ClinVar (database versions not stated): ExAC 0.00001.
gnomAD v4.1: 2 of 1,613,946 alleles (0.00012%); highest among the groups gnomAD compares: South Asian, 0.0011%; no homozygotes.

Submission:

Labcorp Genetics (formerly Invitae), Labcorp
Classification: Uncertain significance. Last evaluated: 2024-07-08. Review status: criteria provided, single submitter. Criteria: Invitae Variant Classification Sherloc (09022015). Collection method: clinical testing. Allele origin: germline.
Comment: This sequence change replaces glutamic acid, which is acidic and polar, with lysine, which is basic and polar, at codon 207 of the GABRB1 protein (p.Glu207Lys). This variant is present in population databases (rs775300084, gnomAD 0.003%). This variant has not been reported in the literature in individuals affected with GABRB1-related conditions. Advanced modeling of protein sequence and biophysical properties (such as structural, functional, and spatial information, amino acid conservation, physicochemical variation, residue mobility, and thermodynamic stability) performed at Invitae indicates that this missense variant is not expected to disrupt GABRB1 protein function with a negative predictive value of 80%. In summary, the available evidence is currently insufficient to determine the role of this variant in disease. Therefore, it has been classified as a Variant of Uncertain Significance.